The following is an entry in ClinVar:

NM_001382391.1(CSPP1):c.2969-3C>G

Genes: ARFGEF1 (ARF guanine nucleotide exchange factor 1; minus strand), CSPP1 (centrosome and spindle pole associated protein 1; plus strand). Cytogenetic location: 8q13.2.
Variant type: single nucleotide variant.
Coding change: c.2969-3C>G on transcript NM_001382391.1 (MANE Select); 3 bases into the intron before coding-DNA position 2969, C replaced by G.
Molecular consequence: intron variant. On other transcripts: 3 prime UTR variant (2).
Genome position (GRCh38, 1-based): chr8:67,175,293, C>G. VCF-style: chr8-67175293-C-G. GRCh37 (hg19) VCF-style: chr8-68087528-C-G.
Other names: c.2270-3C>G (NM_001438332.1); c.1919-3C>G (NM_001291339.2); c.2888-3C>G (NM_001363131.2); c.2693-3C>G (NM_001363133.2); c.3035-3C>G (NM_001364869.1); c.2954-3C>G (NM_024790.7, NM_001438331.1); c.2801-3C>G (NM_001438330.1); c.2855-3C>G (NM_001364870.1); and 2 more.
Identifiers: ClinVar variation 2501955 (VCV002501955.1), dbSNP rs1470495151, ClinGen allele CA2580617172.

ClinVar aggregate classification (germline): Uncertain significance (1 of 4 stars; one submission).

Submission:

GeneDx
Classification: Uncertain significance. Last evaluated: 2022-11-10. Review status: criteria provided, single submitter. Criteria: GeneDx Variant Classification Process June 2021. Collection method: clinical testing. Allele origin: germline. Affected: yes.
Comment: Not observed at significant frequency in large population cohorts (gnomAD); In silico analysis supports a deleterious effect on splicing; Has not been previously published as pathogenic or benign to our knowledge